The following is an entry in ClinVar:

NM_001256007.3(PNPLA8):c.86_87insA (p.Tyr30fs)

Gene: PNPLA8 (patatin like domain 8, phospholipase A2; minus strand). Cytogenetic location: 7q31.1.
Variant type: Insertion.
Coding change: c.86_87insA on transcript NM_001256007.3 (MANE Select); coding-DNA positions 86 to 87, A inserted.
Protein change: p.Tyr30fs; shifts the reading frame from tyrosine 30.
Molecular consequence: frameshift variant. On other transcripts: 5 prime UTR variant (2).
Genome position: GRCh38 VCF-style: chr7-108515405-C-CT. GRCh37 (hg19) VCF-style: chr7-108155849-C-CT.
Other names: c.86_87insA, p.Tyr30fs (NM_001256008.3, NM_001256009.3, NM_015723.5); c.-215_-214insA (NM_001256010.3, NM_001256011.3); short protein forms Y30fs.
Identifiers: ClinVar variation 1964967 (VCV001964967.6), dbSNP rs1863263928, ClinGen allele CA1733137187.
Genomic context (GRCh38, chr7:108,515,405, plus strand): 5'-ACCTCTTTGTAGACTGATGTGGCTTATCCTCCAGTAATGCTTAGGTGAGAACAAGAAATA[C>CT]AGTTGCTTGCTTCTCTGCTTCCCACAAACACTTCTTGCATTACTAAGGAGGTAAATATAT-3'

ClinVar aggregate classification (germline): Pathogenic. Review status: criteria provided, multiple submitters, no conflicts (2 of 4 stars). 2 submissions from 2 submitters: Pathogenic (2). Last evaluated 2025-02-16.

Allele frequency attached by ClinVar (database versions not stated): gnomAD exomes below 0.00001.

Submissions (2):

Laboratory of Genetics, Children's Clinical University Hospital Latvia
Classification: Pathogenic. Last evaluated: 2025-02-16. Review status: criteria provided, single submitter. Criteria: ACMG Guidelines, 2015. Collection method: clinical testing. Allele origin: germline. Affected: yes.

Labcorp Genetics (formerly Invitae), Labcorp
Classification: Pathogenic. Last evaluated: 2023-03-30. Review status: criteria provided, single submitter. Criteria: Invitae Variant Classification Sherloc (09022015). Collection method: clinical testing. Allele origin: germline.
Comment: This sequence change creates a premature translational stop signal (p.Tyr30Valfs*7) in the PNPLA8 gene. It is expected to result in an absent or disrupted protein product. Loss-of-function variants in PNPLA8 are known to be pathogenic (PMID: 29681094). For these reasons, this variant has been classified as Pathogenic. ClinVar contains an entry for this variant (Variation ID: 1964967). This variant has not been reported in the literature in individuals affected with PNPLA8-related conditions. This variant is not present in population databases (gnomAD no frequency).

Literature cited by the submitters: PubMed 29681094 (cited by Labcorp Genetics (formerly Invitae), Labcorp).